The following is an entry in ClinVar:

ClinVar aggregate classification (germline): Pathogenic. Review status: criteria provided, single submitter (1 of 4 stars). 2 submissions from 2 submitters: Pathogenic (1). 1 of the submissions does not count toward it. Last evaluated 2021-06-19.

Conditions:
Achondrogenesis, type IB (ACG1B). Also called: Achondrogenesis Type 1B. Identifiers: Orphanet 932, Orphanet 93298, MedGen C0265274, MONDO:0010966, OMIM 600972.
Diastrophic dysplasia (DTD). Also called: Diastrophic dwarfism. Identifiers: Orphanet 628, MedGen C0220726, MONDO:0009107, OMIM 222600.
Multiple epiphyseal dysplasia type 4 (EDM4). Also called: MULTIPLE EPIPHYSEAL DYSPLASIA WITH BILAYERED PATELLAE; MULTIPLE EPIPHYSEAL DYSPLASIA WITH CLUBFOOT; MULTIPLE EPIPHYSEAL DYSPLASIA, AUTOSOMAL RECESSIVE; SLC26A2-Related Multiple Epiphyseal Dysplasia; Multiple Epiphyseal Dysplasia, Recessive. Identifiers: Orphanet 93307, MedGen C1847593, MONDO:0009189, OMIM 226900.
Atelosteogenesis type II (AO2). Also called: NEONATAL OSSEOUS DYSPLASIA I; Neonatal osseous dysplasia 1; SLC26A2-Related Atelosteogenesis. Identifiers: Orphanet 56304, MedGen C1850554, MONDO:0009727, OMIM 256050.

Allele frequency attached by ClinVar (database versions not stated): gnomAD exomes below 0.00001 and 0.00001; ExAC 0.00001.

Submissions (2):

Labcorp Genetics (formerly Invitae), Labcorp
Classification: Pathogenic for Atelosteogenesis type II; Multiple epiphyseal dysplasia type 4; Achondrogenesis, type IB; Diastrophic dysplasia. Last evaluated: 2021-06-19. Review status: criteria provided, single submitter. Criteria: Invitae Variant Classification Sherloc (09022015). Collection method: clinical testing. Allele origin: germline.
Comment: For these reasons, this variant has been classified as Pathogenic. This variant disrupts the C-terminus of the SLC26A2 protein. Other variant(s) that disrupt this region (p.Glu703Glyfs*9) have been determined to be pathogenic (Invitae). This suggests that variants that disrupt this region of the protein are likely to be causative of disease. This variant has not been reported in the literature in individuals with SLC26A2-related conditions. This variant is present in population databases (rs767996373, ExAC 0.006%). This sequence change creates a premature translational stop signal (p.Thr266Asnfs*16) in the SLC26A2 gene. While this is not anticipated to result in nonsense mediated decay, it is expected to disrupt the last 474 amino acid(s) of the SLC26A2 protein.

Institute of Medical Genetics and Genomics, Sir Ganga Ram Hospital
Classification: Pathogenic for Achondrogenesis, type IB. Last evaluated: 2021-11-24. Review status: no assertion criteria provided. Collection method: clinical testing. Allele origin: germline. Inheritance: Autosomal recessive inheritance. Affected: yes. Observed: 1 homozygote. Not counted in ClinVar's aggregate classification.
Comment: The novel homozygous frameshift insertion variant c.796dupA has an allele frequency-0.0008% in gnomAD (aggregated) database and 0.0008% in 1000g. Achondrogenesis IB is an autosomal disorder. Based on the phenotypic observation we classify this variant as pathogenic.

NM_000112.4(SLC26A2):c.796dup (p.Thr266fs)

Gene: SLC26A2 (solute carrier family 26 member 2; plus strand). Cytogenetic location: 5q32.
Variant type: Duplication.
Coding change: c.796dup on transcript NM_000112.4 (MANE Select); coding-DNA position 796, one base duplicated (A; older notation c.796dupA).
Protein change: p.Thr266fs; shifts the reading frame from threonine 266.
Molecular consequence: frameshift variant.
Genome position (GRCh38, 1-based): chr5:149,980,389, A duplicated. VCF-style (leftmost placement, unchanged base first): chr5-149980388-T-TA. GRCh37 (hg19) VCF-style: chr5-149359951-T-TA.
Other names: c.796dupA (NM_000112.4); short protein forms T266fs.
Identifiers: ClinVar variation 1326262 (VCV001326262.10), dbSNP rs767996373, ClinGen allele CA3505322.